The following is an entry in ClinVar:

ClinVar aggregate classification (germline): Uncertain significance (1 of 4 stars; one submission).

Submission:

Labcorp Genetics (formerly Invitae), Labcorp
Classification: Uncertain significance. Last evaluated: 2022-10-25. Review status: criteria provided, single submitter. Criteria: Invitae Variant Classification Sherloc (09022015). Collection method: clinical testing. Allele origin: germline.
Comment: ClinVar contains an entry for this variant (Variation ID: 1059144). In summary, the available evidence is currently insufficient to determine the role of this variant in disease. Therefore, it has been classified as a Variant of Uncertain Significance. Algorithms developed to predict the effect of missense changes on protein structure and function are either unavailable or do not agree on the potential impact of this missense change (SIFT: "Deleterious"; PolyPhen-2: "Possibly Damaging"; Align-GVGD: "Class C0"). This variant has not been reported in the literature in individuals affected with PRDM13-related conditions. This variant is not present in population databases (gnomAD no frequency). This sequence change replaces alanine, which is neutral and non-polar, with proline, which is neutral and non-polar, at codon 369 of the PRDM13 protein (p.Ala369Pro).

NM_021620.4(PRDM13):c.1105G>C (p.Ala369Pro)

Genes: PRDM13 (PR/SET domain 13; plus strand), LOC129996881 (ATAC-STARR-seq lymphoblastoid silent region 17422; plus strand). Cytogenetic location: 6q16.2.
Variant type: single nucleotide variant.
Coding change: c.1105G>C on transcript NM_021620.4 (MANE Select); coding-DNA position 1105, G replaced by C.
Protein change: p.Ala369Pro; replaces alanine 369 with proline.
Molecular consequence: missense variant.
Genome position (GRCh38, 1-based): chr6:99,613,740, G>C. VCF-style: chr6-99613740-G-C. GRCh37 (hg19) VCF-style: chr6-100061616-G-C.
Other names: short protein forms A369P.
Identifiers: ClinVar variation 1059144 (VCV001059144.9), dbSNP rs560495179, ClinGen allele CA365117724.